The following is an entry in ClinVar:

NM_001458.5(FLNC):c.245T>C (p.Met82Thr)

Gene: FLNC (filamin C; plus strand). Cytogenetic location: 7q32.1.
Variant type: single nucleotide variant.
Coding change: c.245T>C on transcript NM_001458.5 (MANE Select); coding-DNA position 245, T replaced by C.
Protein change: p.Met82Thr; replaces methionine 82 with threonine.
Molecular consequence: missense variant.
Genome position (GRCh38, 1-based): chr7:128,830,882, T>C. VCF-style: chr7-128830882-T-C. GRCh37 (hg19) VCF-style: chr7-128470936-T-C.
Other names: c.245T>C, p.Met82Thr (NM_001127487.2); short protein forms M82T.
Identifiers: ClinVar variation 1791616 (VCV001791616.2), dbSNP rs1807859917, ClinGen allele CA369216587.

ClinVar aggregate classification (germline): Uncertain significance (1 of 4 stars; one submission).

Conditions:
Cardiovascular phenotype. Identifiers: MedGen CN230736.

Submission:

Ambry Genetics
Classification: Uncertain significance for Cardiovascular phenotype. Last evaluated: 2022-06-14. Review status: criteria provided, single submitter. Criteria: Ambry Variant Classification Scheme 2023. Collection method: clinical testing. Allele origin: germline.
Comment: The p.M82T variant (also known as c.245T>C), located in coding exon 1 of the FLNC gene, results from a T to C substitution at nucleotide position 245. The methionine at codon 82 is replaced by threonine, an amino acid with similar properties. This amino acid position is conserved. In addition, this alteration is predicted to be deleterious by in silico analysis. Since supporting evidence is limited at this time, the clinical significance of this alteration remains unclear.